The following is an entry in ClinVar:

ClinVar aggregate classification (germline): Pathogenic (1 of 4 stars; one submission).

Conditions:
Neurofibromatosis, type 1 (NF1). Also called: Peripheral type neurofibromatosis; VON RECKLINGHAUSEN DISEASE; Neurofibromatosis, type I; NEUROFIBROMATOSIS, TYPE I, SOMATIC. Identifiers: Orphanet 636, MedGen C0027831, MONDO:0018975, OMIM 162200. Disease mechanism: loss of function.

Submission:

Labcorp Genetics (formerly Invitae), Labcorp
Classification: Pathogenic for Neurofibromatosis, type 1. Last evaluated: 2022-10-28. Review status: criteria provided, single submitter. Criteria: Invitae Variant Classification Sherloc (09022015). Collection method: clinical testing. Allele origin: germline.
Comment: For these reasons, this variant has been classified as Pathogenic. Studies have shown that disruption of this splice site results in skipping of exon 15, also known as exon 11 and introduces a premature termination codon (PMID: 18546366). The resulting mRNA is expected to undergo nonsense-mediated decay. ClinVar contains an entry for this variant (Variation ID: 841342). Disruption of this splice site has been observed in individual(s) with clinical features of neurofibromatosis type 1 (PMID: 12552569, 18546366, 23913538). This variant is not present in population databases (gnomAD no frequency). This sequence change affects a donor splice site in intron 15 of the NF1 gene. RNA analysis indicates that disruption of this splice site induces altered splicing and may result in an absent or disrupted protein product.

Literature cited by the submitters: PubMed 18546366; PubMed 12552569; PubMed 23913538.

NM_001042492.3(NF1):c.1721+2T>A

Gene: NF1 (neurofibromin 1; plus strand). Cytogenetic location: 17q11.2.
Variant type: single nucleotide variant.
Coding change: c.1721+2T>A on transcript NM_001042492.3 (MANE Select); the canonical splice donor site of the intron after coding-DNA position 1721, T replaced by A.
Molecular consequence: splice donor variant. On other transcripts: missense variant (1).
Genome position (GRCh38, 1-based): chr17:31,221,931, T>A. VCF-style: chr17-31221931-T-A. GRCh37 (hg19) VCF-style: chr17-29548949-T-A.
Other names: c.1723T>A, p.Tyr575Asn (NM_001128147.3); c.1721+2T>A (NM_000267.4); short protein forms Y575N.
Identifiers: ClinVar variation 841342 (VCV000841342.7), dbSNP rs1567845116, ClinGen allele CA399002394.